The following is an entry in ClinVar:

ClinVar aggregate classification (germline): Pathogenic/Likely pathogenic. Review status: criteria provided, multiple submitters, no conflicts (2 of 4 stars). 8 submissions from 8 submitters: Pathogenic (6); Likely pathogenic (2). Last evaluated 2026-03-20.

Conditions:
PLA2G6-related disorder. Also called: PLA2G6-related condition.
Infantile neuroaxonal dystrophy (NBIA2A). Also called: NEURODEGENERATION WITH BRAIN IRON ACCUMULATION 2A; SEITELBERGER DISEASE; Infantile neuroaxonal dystrophy 1. Identifiers: Orphanet 35069, MedGen C0270724, MONDO:0024457, OMIM 256600.
PLA2G6-associated neurodegeneration (PLAN). Also called: phospholipase A2-associated neurodegeneration. Identifiers: Orphanet 329303, MedGen CN204472, MONDO:0017998.
Neurodegeneration with brain iron accumulation 2B. Also called: aNAD; atypical Neuroaxonal Dystrophy (aNAD); NEUROAXONAL DYSTROPHY, ATYPICAL; NEURODEGENERATION WITH BRAIN IRON ACCUMULATION, PLA2G6-RELATED. Identifiers: Orphanet 35069, MedGen C1857747, MONDO:0012444, OMIM 610217.
Autosomal recessive Parkinson disease 14. Also called: PARKINSON DISEASE 14; DYSTONIA-PARKINSONISM, ADULT-ONSET. Identifiers: Orphanet 199351, MedGen C2751842, MONDO:0013060, OMIM 612953.

Allele frequency attached by ClinVar (database versions not stated): TOPMed below 0.00001; ExAC 0.00001; gnomAD 0.00001; gnomAD exomes 0.00001.
gnomAD v4.1: 16 of 1,611,276 alleles (0.00099%); highest among the groups gnomAD compares: East Asian, 0.013%; no homozygotes.

Submissions (9):

Dasa
Classification: Pathogenic. Last evaluated: 2026-03-20. Review status: criteria provided, single submitter. Criteria: DASA Assertion Criteria. Collection method: clinical testing. Allele origin: germline.
Comment: NM_003560.4(PLA2G6):c.1427+1G>A affects a canonical splice site and is predicted to disrupt normal RNA splicing, leading to loss of normal protein function. Loss-of-function is an established mechanism of disease for this gene. This variant has been observed in affected individuals with related phenotype in a genotype context consistent with recessive disease. The variant is present at low frequency in population datasets. Based on the available data, this variant is classified as pathogenic.

Labcorp Genetics (formerly Invitae), Labcorp
Classification: Pathogenic for Infantile neuroaxonal dystrophy. Last evaluated: 2025-11-02. Review status: criteria provided, single submitter. Criteria: Invitae Variant Classification Sherloc (09022015). Collection method: clinical testing. Allele origin: germline.
Comment: This sequence change affects a donor splice site in intron 10 of the PLA2G6 gene. It is expected to disrupt RNA splicing. Variants that disrupt the donor or acceptor splice site typically lead to a loss of protein function (PMID: 16199547), and loss-of-function variants in PLA2G6 are known to be pathogenic (PMID: 16783378, 18570303, 18799783, 22213678). This variant is present in population databases (rs750939090, gnomAD 0.01%). Disruption of this splice site has been observed in individual(s) with infantile neuroaxonal dystrophy and early onset Parkinson's disease (PMID: 19138334, 31496990). In at least one individual the data is consistent with being in trans (on the opposite chromosome) from a pathogenic variant. ClinVar contains an entry for this variant (Variation ID: 437465). Algorithms developed to predict the effect of sequence changes on RNA splicing suggest that this variant may disrupt the consensus splice site. For these reasons, this variant has been classified as Pathogenic.

Blueprint Genetics
Classification: Pathogenic for PLA2G6-related disorders. Last evaluated: 2024-02-28. Review status: criteria provided, single submitter. Criteria: ACMG Guidelines, 2015. Collection method: clinical testing. Allele origin: germline. Affected: yes. Observed: 4 variant alleles.

Broad Center for Mendelian Genomics, Broad Institute of MIT and Harvard
Classification: Pathogenic for PLA2G6-associated neurodegeneration. Last evaluated: 2023-01-24. Review status: criteria provided, single submitter. Criteria: ACMG Guidelines, 2015. Collection method: curation. Allele origin: germline. Inheritance: Autosomal recessive inheritance.
Comment: The c.1427+1G>A variant in PLA2G6 has been reported in 5 individuals with PLA2G6-associated neurodegeneration (PMID: 19138334, 31496990, 34630504) and has been identified in 0.01% (2/18388) of East Asian chromosomes by the Genome Aggregation Database (gnomAD; dbSNP ID: rs750939090). Although this variant has been seen in the general population in a heterozygous state, its frequency is not high enough to rule out a pathogenic role. This variant has also been reported in ClinVar (Variation ID#: 437465) and has been interpreted as pathogenic or likely pathogenic by Genomic Research Center (Shahid Beheshti University of Medical Sciences), Fulgent Genetics, Baylor Genetics, Invitae, and PerkinElmer Genomics. Of the 5 affected individuals, 1 was a compound heterozygote that carried a reported pathogenic variant in trans, which increases the likelihood that the c.1427+1G>A variant is pathogenic (VariationID: 30371; PMID: 31496990). This variant is located in the 3' splice region. Computational tools predict a splicing impact, though this information is not predictive enough to determine pathogenicity. Loss of function of the PLA2G6 gene is an established disease mechanism in autosomal recessive PLA2G6-associated neurodegeneration. The phenotype of an individual compound heterozygous for this variant is highly specific for PLA2G6-associated neurodegeneration based on brain iron accumulation on MRI consistent with disease (PMID: 31496990). In summary, although additional studies are required to fully establish its clinical significance, this variant is likely pathogenic for autosomal recessive PLA2G6-associated neurodegeneration. ACMG/AMP Criteria applied: PVS1, PM3, PP4 (Richards 2015).

Revvity Omics, Revvity
Classification: Pathogenic. Last evaluated: 2021-04-06. Review status: criteria provided, single submitter. Criteria: ACMG Guidelines, 2015. Collection method: clinical testing. Allele origin: germline.

Fulgent Genetics
Classification: Likely pathogenic for Infantile neuroaxonal dystrophy; Neurodegeneration with brain iron accumulation 2B; Autosomal recessive Parkinson disease 14. Last evaluated: 2018-10-31. Review status: criteria provided, single submitter. Criteria: ACMG Guidelines, 2015. Collection method: clinical testing. Allele origin: unknown.

Genomic Research Center, Shahid Beheshti University of Medical Sciences
Classification: Likely pathogenic for Infantile neuroaxonal dystrophy. Last evaluated: 2017-06-18. Review status: criteria provided, single submitter. Criteria: ACMG Guidelines, 2015. Collection method: clinical testing. Allele origin: inherited. Affected: yes. Observed: 1 variant allele.

Baylor Genetics
Classification: Pathogenic for Infantile neuroaxonal dystrophy. Review status: criteria provided, single submitter. Criteria: ACMG Guidelines, 2015. Collection method: clinical testing. Allele origin: germline.

Dr. Peter K. Rogan Lab, Western University
No classification provided (evidence only). Condition: Familial prostate cancer. Review status: no classification provided. Collection method: in vitro. Allele origin: not applicable. Functional consequence: skipped exon, retained intron. Not counted in ClinVar's aggregate classification.

Literature cited by the submitters: PubMed 16199547 (cited by Labcorp Genetics (formerly Invitae), Labcorp); PubMed 16783378 (cited by Labcorp Genetics (formerly Invitae), Labcorp); PubMed 18570303 (cited by Labcorp Genetics (formerly Invitae), Labcorp); PubMed 18799783 (cited by Labcorp Genetics (formerly Invitae), Labcorp); PubMed 22213678 (cited by Labcorp Genetics (formerly Invitae), Labcorp); PubMed 19138334 (cited by Labcorp Genetics (formerly Invitae), Labcorp); PubMed 31496990 (cited by Labcorp Genetics (formerly Invitae), Labcorp).

NM_003560.4(PLA2G6):c.1427+1G>A

Gene: PLA2G6 (phospholipase A2 group VI; minus strand). Cytogenetic location: 22q13.1.
Variant type: single nucleotide variant.
Coding change: c.1427+1G>A on transcript NM_003560.4 (MANE Select); the canonical splice donor site of the intron after coding-DNA position 1427, G replaced by A.
Molecular consequence: splice donor variant.
Genome position (GRCh38, 1-based): chr22:38,126,370, C>T on the plus strand (G>A on the coding strand, the complement: PLA2G6 is on the minus strand). VCF-style: chr22-38126370-C-T. GRCh37 (hg19) VCF-style: chr22-38522377-C-T.
Other names: c.749+1G>A (NM_001349868.2); c.1265+1G>A (NM_001349866.2, NM_001199562.3, NM_001349865.2 and 1 more transcripts); c.731+1G>A (NM_001349869.2); c.893+1G>A (NM_001349867.2); c.1427+1G>A (NM_001349864.2).
Identifiers: ClinVar variation 437465 (VCV000437465.21), dbSNP rs750939090, ClinGen allele CA10230870.
Genomic context (GRCh38, chr22:38,126,370, plus strand): 5'-TGGGTGAGGGGCAGGAAAGCGCACACGTTCCCCGCTCTGCCCCCGATCTCGATCCACTTA[C>T]GTCCGCTTCTCGTCCCTCATGGAGCCCAGGATGAACGCTGGCTTCCGGGCCCGTGAGATG-3'